The following is an entry in ClinVar:

NM_016169.4(SUFU):c.36del (p.Thr13fs)

Genes: SUFU (SUFU negative regulator of hedgehog signaling; plus strand), LOC130004614 (ATAC-STARR-seq lymphoblastoid silent region 2764; plus strand). Cytogenetic location: 10q24.32.
Variant type: Deletion.
Coding change: c.36del on transcript NM_016169.4 (MANE Select); coding-DNA position 36, one base deleted (C; older notation c.36delC).
Protein change: p.Thr13fs; shifts the reading frame from threonine 13.
Molecular consequence: frameshift variant.
Genome position (GRCh38, 1-based): chr10:102,504,188, C deleted; the last of 4 consecutive C bases (chr10:102,504,185-102,504,188); deleting any one gives the same sequence. VCF-style (leftmost placement, unchanged base first): chr10-102504184-GC-G. GRCh37 (hg19) VCF-style: chr10-104263941-GC-G.
Other names: c.36del, p.Thr13fs (NM_001178133.2); short protein forms T13fs.
Identifiers: ClinVar variation 4177549 (VCV004177549.1).
Genomic context (GRCh38, chr10:102,504,184, plus strand): 5'-TTCCCCCAGTGCCTGCCCTACGCACCCCGATGGCGGAGCTGCGGCCTAGCGGCGCCCCCG[GC>G]CCCACCGCGCCCCCGGCCCCTGGCCCGACTGCCCCCCCGGCCTTCGCTTCGCTCTTTCCC-3'

ClinVar aggregate classification (germline): Pathogenic (1 of 4 stars; one submission).

Conditions:
Hereditary cancer-predisposing syndrome. Also called: Neoplastic Syndromes, Hereditary; Tumor predisposition; Hereditary Cancer Syndrome; Hereditary neoplastic syndrome. Identifiers: Orphanet 140162, MedGen C0027672, MeSH D009386, MONDO:0015356.

Submission:

Ambry Genetics
Classification: Pathogenic for Hereditary cancer-predisposing syndrome. Last evaluated: 2025-08-19. Review status: criteria provided, single submitter. Criteria: Ambry Variant Classification Scheme 2023. Collection method: clinical testing. Allele origin: germline.
Comment: The c.36delC pathogenic mutation, located in coding exon 1 of the SUFU gene, results from a deletion of one nucleotide at nucleotide position 36, causing a translational frameshift with a predicted alternate stop codon (p.T13Pfs*83). This variant is considered to be rare based on population cohorts in the Genome Aggregation Database (gnomAD). This alteration is expected to result in loss of function by premature protein truncation or nonsense-mediated mRNA decay. As such, this alteration is interpreted as a disease-causing mutation.